The following is an entry in ClinVar:

ClinVar aggregate classification (germline): Uncertain significance (1 of 4 stars; one submission).

Conditions:
Familial melanoma. Also called: Hereditary melanoma; Hereditary cutaneous melanoma. Identifiers: Orphanet 618, MedGen C1512419, MONDO:0018961.

Submission:

Labcorp Genetics (formerly Invitae), Labcorp
Classification: Uncertain significance for Familial melanoma. Last evaluated: 2025-03-31. Review status: criteria provided, single submitter. Criteria: Invitae Variant Classification Sherloc (09022015). Collection method: clinical testing. Allele origin: germline.
Comment: This variant, c.6_8del, results in the deletion of 1 amino acid(s) of the CDK4 protein (p.Thr3del), but otherwise preserves the integrity of the reading frame. This variant is not present in population databases (gnomAD no frequency). This variant has not been reported in the literature in individuals affected with CDK4-related conditions. Experimental studies and prediction algorithms are not available or were not evaluated, and the functional significance of this variant is currently unknown. In summary, the available evidence is currently insufficient to determine the role of this variant in disease. Therefore, it has been classified as a Variant of Uncertain Significance.

NM_000075.4(CDK4):c.6_8del (p.Thr3del)

Gene: CDK4 (cyclin dependent kinase 4; minus strand). Cytogenetic location: 12q14.1.
Variant type: Deletion.
Coding change: c.6_8del on transcript NM_000075.4 (MANE Select); coding-DNA positions 6 to 8, 3 bases deleted (TAC; older notation c.6_8delTAC).
Protein change: p.Thr3del; deletes threonine 3.
Molecular consequence: inframe deletion.
Genome position (GRCh38, 1-based): chr12:57,751,710-57,751,712, GTA deleted on the plus strand (TAC on the coding strand, the reverse complement: CDK4 is on the minus strand); deleting any 3 consecutive bases within chr12:57,751,710-57,751,713 gives the same sequence; the c. name uses the placement nearest the transcript's 3' end. VCF-style (leftmost placement, unchanged base first): chr12-57751709-GGTA-G. GRCh37 (hg19) VCF-style: chr12-58145492-GGTA-G.
Other names: short protein forms T3del.
Identifiers: ClinVar variation 4706618 (VCV004706618.1).